The following is an entry in ClinVar:

NM_000088.4(COL1A1):c.3176C>T (p.Pro1059Leu)

Gene: COL1A1 (collagen type I alpha 1 chain; minus strand). Cytogenetic location: 17q21.33.
Variant type: single nucleotide variant.
Coding change: c.3176C>T on transcript NM_000088.4 (MANE Select); coding-DNA position 3176, C replaced by T.
Protein change: p.Pro1059Leu; replaces proline 1059 with leucine.
Molecular consequence: missense variant.
Genome position (GRCh38, 1-based): chr17:50,188,561, G>A on the plus strand (C>T on the coding strand, the complement: COL1A1 is on the minus strand). VCF-style: chr17-50188561-G-A. GRCh37 (hg19) VCF-style: chr17-48265922-G-A.
Other names: short protein forms P1059L.
Identifiers: ClinVar variation 860618 (VCV000860618.13), dbSNP rs547798347, ClinGen allele CA291543061.

ClinVar aggregate classification (germline): Uncertain significance. Review status: criteria provided, multiple submitters, no conflicts (2 of 4 stars). 2 submissions from 2 submitters: Uncertain significance (2). Last evaluated 2024-12-23.

Conditions:
Cardiovascular phenotype. Identifiers: MedGen CN230736.
Osteogenesis imperfecta type I (OI1). Also called: OI, TYPE I; OSTEOGENESIS IMPERFECTA TARDA; OSTEOGENESIS IMPERFECTA WITH BLUE SCLERAE; Osteogenesis imperfecta type 1; Lobstein disease; Lobstein's Disease. Identifiers: Orphanet 216796, Orphanet 666, MedGen C0023931, MONDO:0008146, OMIM 166200. Disease mechanism: loss of function.

Allele frequency attached by ClinVar (database versions not stated): gnomAD 0.00001.
gnomAD v4.1: 33 of 1,613,956 alleles (0.002%); highest among the groups gnomAD compares: Non-Finnish European, 0.0028%; no homozygotes.

Submissions (2):

Labcorp Genetics (formerly Invitae), Labcorp
Classification: Uncertain significance for Osteogenesis imperfecta type I. Last evaluated: 2024-12-23. Review status: criteria provided, single submitter. Criteria: Invitae Variant Classification Sherloc (09022015). Collection method: clinical testing. Allele origin: germline.
Comment: This sequence change replaces proline, which is neutral and non-polar, with leucine, which is neutral and non-polar, at codon 1059 of the COL1A1 protein (p.Pro1059Leu). This variant is present in population databases (rs547798347, gnomAD 0.005%). This missense change has been observed in individual(s) with clinical features of osteogenesis imperfecta (internal data). ClinVar contains an entry for this variant (Variation ID: 860618). Invitae Evidence Modeling of protein sequence and biophysical properties (such as structural, functional, and spatial information, amino acid conservation, physicochemical variation, residue mobility, and thermodynamic stability) indicates that this missense variant is expected to disrupt COL1A1 protein function with a positive predictive value of 95%. In summary, the available evidence is currently insufficient to determine the role of this variant in disease. Therefore, it has been classified as a Variant of Uncertain Significance.

Ambry Genetics
Classification: Uncertain significance for Cardiovascular phenotype. Last evaluated: 2024-08-14. Review status: criteria provided, single submitter. Criteria: Ambry Variant Classification Scheme 2023. Collection method: clinical testing. Allele origin: germline.
Comment: The p.P1059L variant (also known as c.3176C>T), located in coding exon 43 of the COL1A1 gene, results from a C to T substitution at nucleotide position 3176. The proline at codon 1059 is replaced by leucine, an amino acid with similar properties. This amino acid position is highly conserved in available vertebrate species. In addition, this alteration is predicted to be deleterious by in silico analysis. Since supporting evidence is limited at this time, the clinical significance of this alteration remains unclear.